The following is an entry in ClinVar:

ClinVar aggregate classification (germline): Benign/Likely benign. Review status: criteria provided, multiple submitters, no conflicts (2 of 4 stars). 16 submissions from 16 submitters: Benign (6); Likely benign (5). 5 of the submissions do not count toward it. Last evaluated 2026-02-04.

Conditions:
ALG6-related disorder. Also called: ALG6-related condition.
ALG6-congenital disorder of glycosylation 1C (CDG1C). Also called: Congenital disorder of glycosylation type 1C; CDG Ic; Congenital disorder of glycosylation, type Ic; CARBOHYDRATE-DEFICIENT GLYCOPROTEIN SYNDROME, TYPE I, WITH DEFICIENT GLYCOSYLATION OF DOLICHOL-LINKED OLIGOSACCHARIDE; CARBOHYDRATE-DEFICIENT GLYCOPROTEIN SYNDROME, TYPE V. Identifiers: Orphanet 79320, MedGen C2930997, MONDO:0011291, OMIM 603147.

Allele frequency attached by ClinVar (database versions not stated): gnomAD exomes 0.03516 and 0.03021; 1000 Genomes Project 0.01338; TOPMed 0.02797; ExAC 0.02869; ESP Exome Variant Server 0.02922; gnomAD 0.02935 and 0.02892; 1000 Genomes Project 30x 0.01359.
gnomAD v4.1: 55,795 of 1,613,214 alleles (3.5%); highest among the groups gnomAD compares: Non-Finnish European, 3.8%; 1,129 homozygotes.

Submissions (16):

Labcorp Genetics (formerly Invitae), Labcorp
Classification: Benign for ALG6-congenital disorder of glycosylation 1C. Last evaluated: 2026-02-04. Review status: criteria provided, single submitter. Criteria: Invitae Variant Classification Sherloc (09022015). Collection method: clinical testing. Allele origin: germline.

Mayo Clinic Laboratories, Mayo Clinic
Classification: Benign. Last evaluated: 2023-01-17. Review status: criteria provided, single submitter. Criteria: ACMG Guidelines, 2015. Collection method: clinical testing. Allele origin: germline. Observed: 30 variant alleles.
Comment: BA1

Women's Health and Genetics/Laboratory Corporation of America, LabCorp
Classification: Likely benign. Last evaluated: 2021-12-10. Review status: criteria provided, single submitter. Criteria: LabCorp Variant Classification Summary - May 2015. Collection method: clinical testing. Allele origin: germline.

Genome-Nilou Lab
Classification: Benign for ALG6-congenital disorder of glycosylation 1C. Last evaluated: 2021-05-18. Review status: criteria provided, single submitter. Criteria: ACMG Guidelines, 2015. Collection method: clinical testing. Allele origin: germline. Affected: no.

Mendelics
Classification: Likely benign for ALG6-congenital disorder of glycosylation 1C. Last evaluated: 2019-05-28. Review status: criteria provided, single submitter. Criteria: Mendelics Assertion Criteria 2017. Collection method: clinical testing. Allele origin: unknown.

Illumina Laboratory Services, Illumina
Classification: Likely benign for ALG6-congenital disorder of glycosylation 1C. Last evaluated: 2017-04-27. Review status: criteria provided, single submitter. Criteria: ICSL Variant Classification Criteria 13 December 2019. Collection method: clinical testing. Allele origin: germline.
Comment: This variant was observed as part of a predisposition screen in an ostensibly healthy population. A literature search was performed for the gene, cDNA change, and amino acid change (where applicable). Publications were found based on this search. The evidence from the literature, in combination with allele frequency data from public databases where available, was sufficient to determine this variant is unlikely to cause disease. Therefore, this variant is classified as likely benign.

GeneDx
Classification: Benign. Last evaluated: 2016-01-26. Review status: criteria provided, single submitter. Criteria: GeneDx Variant Classification (06012015). Collection method: clinical testing. Allele origin: germline. Affected: yes.
Comment: This variant is considered likely benign or benign based on one or more of the following criteria: it is a conservative change, it occurs at a poorly conserved position in the protein, it is predicted to be benign by multiple in silico algorithms, and/or has population frequency not consistent with disease.

Genome Diagnostics Laboratory, University Medical Center Utrecht
Classification: Likely benign for ALG6-congenital disorder of glycosylation 1C. Last evaluated: 2016-01-08. Review status: criteria provided, single submitter. Criteria: ACGS Guidelines, 2013. Collection method: clinical testing. Allele origin: germline. Affected: yes. Study: VKGL Data-share Consensus.

Genomic Diagnostic Laboratory, Division of Genomic Diagnostics, Children's Hospital of Philadelphia
Classification: Benign. Last evaluated: 2015-09-03. Review status: criteria provided, single submitter. Criteria: DGD Variant Analysis Guidelines. Collection method: clinical testing. Allele origin: unknown.

Eurofins Ntd Llc (ga)
Classification: Benign. Last evaluated: 2013-02-26. Review status: criteria provided, single submitter. Criteria: EGL Classification Definitions 2015. Collection method: clinical testing. Allele origin: germline. Observed: 2 variant alleles, 2 heterozygotes.

Breakthrough Genomics
Classification: Likely benign. Review status: criteria provided, single submitter. Criteria: ACMG Guidelines, 2015. Collection method: not provided. Allele origin: germline. Inheritance: Autosomal recessive inheritance. Affected: yes.

PreventionGenetics, part of Exact Sciences
Classification: Benign for ALG6-related condition. Last evaluated: 2024-03-15. Review status: no assertion criteria provided. Collection method: clinical testing. Allele origin: germline. Not counted in ClinVar's aggregate classification.
Comment: This variant is classified as benign based on ACMG/AMP sequence variant interpretation guidelines (Richards et al. 2015 PMID: 25741868, with internal and published modifications).

Natera, Inc.
Classification: Benign for Congenital disorder of glycosylation type 1c. Last evaluated: 2020-01-13. Review status: no assertion criteria provided. Collection method: clinical testing. Allele origin: germline. Not counted in ClinVar's aggregate classification.

OMIM
Classification: Uncertain significance for RECLASSIFIED - VARIANT OF UNKNOWN SIGNIFICANCE. Last evaluated: 2011-05-01. Review status: no assertion criteria provided. Collection method: literature only. Allele origin: germline. Not counted in ClinVar's aggregate classification.

Diagnostic Laboratory, Department of Genetics, University Medical Center Groningen
Classification: Benign for ALG6-congenital disorder of glycosylation 1C. Review status: no assertion criteria provided. Collection method: clinical testing. Allele origin: germline. Affected: yes. Study: VKGL Data-share Consensus. Not counted in ClinVar's aggregate classification.

Genetic Services Laboratory, University of Chicago
Classification: Likely benign for AllHighlyPenetrant. Review status: no assertion criteria provided. Collection method: clinical testing. Allele origin: germline. Inheritance: Autosomal recessive inheritance. Not counted in ClinVar's aggregate classification.
Comment: Likely benign based on allele frequency in 1000 Genomes Project or ESP global frequency and its presence in a patient with a rare or unrelated disease phenotype. NOT Sanger confirmed.

Literature cited by the submitters: PubMed 32407885 (cited by Mayo Clinic Laboratories, Mayo Clinic); PubMed 21899441 (cited by Illumina Laboratory Services, Illumina); PubMed 14517965 (cited by Illumina Laboratory Services, Illumina); Hamosh, A. Personal Communication. 2017. Baltimore, Md. (cited by OMIM); PubMed 21334936 (cited by OMIM).

NM_013339.4(ALG6):c.391T>C (p.Tyr131His)

Gene: ALG6 (ALG6 alpha-1,3-glucosyltransferase; plus strand). Cytogenetic location: 1p31.3.
Variant type: single nucleotide variant.
Coding change: c.391T>C on transcript NM_013339.4 (MANE Select); coding-DNA position 391, T replaced by C.
Protein change: p.Tyr131His; replaces tyrosine 131 with histidine.
Molecular consequence: missense variant.
Genome position (GRCh38, 1-based): chr1:63,406,361, T>C. VCF-style: chr1-63406361-T-C. GRCh37 (hg19) VCF-style: chr1-63872032-T-C.
Other names: c.391T>C, p.Tyr131His (LRG_1260t1); short protein forms Y131H.
Identifiers: ClinVar variation 30422 (VCV000030422.30), dbSNP rs35383149, ClinGen allele CA248677.